The following is an entry in ClinVar:

ClinVar aggregate classification (germline): Uncertain significance (1 of 4 stars; one submission).

Submission:

Ambry Genetics
Classification: Uncertain significance. Last evaluated: 2025-06-12. Review status: criteria provided, single submitter. Criteria: Ambry Variant Classification Scheme 2023. Collection method: clinical testing. Allele origin: germline.
Comment: The p.M142I variant (also known as c.426G>C), located in coding exon 4 of the RINT1 gene, results from a G to C substitution at nucleotide position 426. The methionine at codon 142 is replaced by isoleucine, an amino acid with highly similar properties. This amino acid position is conserved. In addition, this alteration is predicted to be tolerated by in silico analysis. Based on the available evidence, the clinical significance of this variant remains unclear.

NM_021930.6(RINT1):c.426G>C (p.Met142Ile)

Gene: RINT1 (RAD50 interactor 1; plus strand). Cytogenetic location: 7q22.3.
Variant type: single nucleotide variant.
Coding change: c.426G>C on transcript NM_021930.6 (MANE Select); coding-DNA position 426, G replaced by C.
Protein change: p.Met142Ile; replaces methionine 142 with isoleucine.
Molecular consequence: missense variant. On other transcripts: 5 prime UTR variant (3), non-coding transcript variant (1).
Genome position (GRCh38, 1-based): chr7:105,542,560, G>C. VCF-style: chr7-105542560-G-C. GRCh37 (hg19) VCF-style: chr7-105183007-G-C.
Other names: c.192G>C, p.Met64Ile (NM_001346599.2); c.-594G>C (NM_001346600.2); c.-497G>C (NM_001346601.2); c.-117G>C (NM_001346603.2); short protein forms M142I, M64I.
Identifiers: ClinVar variation 3946015 (VCV003946015.1).
Genomic context (GRCh38, chr7:105,542,560, plus strand): 5'-GCAGGAAACTCATCTCTTCAGCGCCATTAACAGCCATTTGCTGACTGCGCAACCTTGGAT[G>C]GACGATCTTGGAACCATGATTAGCCAGATTGAAGAGATCGAACGTCATCTTGCTTACCTT-3'
Protein context (NP_068749.3, residues 132-152): NSHLLTAQPW[Met142Ile]DDLGTMISQI